The following is an entry in ClinVar:

NM_007294.4(BRCA1):c.3593del (p.Leu1198fs)

Genes: BRCA1 (BRCA1 DNA repair associated; minus strand), LOC126862571 (BRD4-independent group 4 enhancer GRCh37_chr17:41243136-41244335; plus strand). Cytogenetic location: 17q21.31.
Variant type: Deletion.
Coding change: c.3593del on transcript NM_007294.4 (MANE Select); coding-DNA position 3593, one base deleted (T; older notation c.3593delT).
Protein change: p.Leu1198fs; shifts the reading frame from leucine 1198.
Molecular consequence: frameshift variant. On other transcripts: intron variant (135).
Genome position (GRCh38, 1-based): chr17:43,091,938, A deleted on the plus strand (T on the coding strand, the reverse complement: BRCA1 is on the minus strand); the first of 3 consecutive A bases (chr17:43,091,938-43,091,940); deleting any one gives the same sequence. VCF-style (leftmost placement, unchanged base first): chr17-43091937-CA-C. GRCh37 (hg19) VCF-style: chr17-41243954-CA-C.
Other names: c.3470del, p.Leu1157fs (NM_001407669.1, NM_001407674.1, NM_001407675.1 and 19 more transcripts); c.3467del, p.Leu1156fs (NM_001407670.1, NM_001407671.1, NM_001407672.1 and 11 more transcripts); c.3452del, p.Leu1151fs (NM_001407697.1, NM_001407698.1, NM_001407724.1 and 29 more transcripts); c.3593del, p.Leu1198fs (NM_001407684.1, NM_001407581.1, NM_001407582.1 and 30 more transcripts); c.3380del, p.Leu1127fs (NM_001407571.1, NM_001407853.1, NM_001407894.1 and 9 more transcripts); c.3590del, p.Leu1197fs (NM_001407587.1, NM_001407590.1, NM_001407591.1 and 22 more transcripts); c.3584del, p.Leu1195fs (NM_001407646.1, NM_001407647.1); c.3515del, p.Leu1172fs (NM_001407653.1, NM_001407654.1, NM_001407655.1 and 4 more transcripts); and 42 more; short protein forms L1151fs, L1198fs, L1070fs, L1087fs, L1128fs, L1150fs, L1195fs, L1157fs.
Identifiers: ClinVar variation 861112 (VCV000861112.9), dbSNP rs80357562, ClinGen allele CA916080210.

ClinVar aggregate classification (germline): Pathogenic (1 of 4 stars; one submission).

Conditions:
Hereditary breast ovarian cancer syndrome. Also called: Hereditary breast and ovarian cancer; Breast and ovarian cancer; Hereditary breast and/or ovarian cancer syndrome; Hereditary breast and ovarian cancer syndrome; Hereditary breast and ovarian cancer syndrome (HBOC); BRCA1- and BRCA2-Associated Hereditary Breast and Ovarian Cancer. Identifiers: Orphanet 145, MedGen C0677776, MeSH D061325, MONDO:0003582. Disease mechanism: loss of function.

Submission:

Labcorp Genetics (formerly Invitae), Labcorp
Classification: Pathogenic for Hereditary breast ovarian cancer syndrome. Last evaluated: 2021-10-02. Review status: criteria provided, single submitter. Criteria: Invitae Variant Classification Sherloc (09022015). Collection method: clinical testing. Allele origin: germline.
Comment: For these reasons, this variant has been classified as Pathogenic. ClinVar contains an entry for this variant (Variation ID: 861112). This variant has not been reported in the literature in individuals affected with BRCA1-related conditions. This variant is not present in population databases (ExAC no frequency). This sequence change creates a premature translational stop signal (p.Leu1198Trpfs*12) in the BRCA1 gene. It is expected to result in an absent or disrupted protein product. Loss-of-function variants in BRCA1 are known to be pathogenic (PMID: 20104584).

Literature cited by the submitters: PubMed 20104584.